The following is an entry in ClinVar:

ClinVar aggregate classification (germline): Conflicting classifications of pathogenicity. Review status: criteria provided, conflicting classifications (1 of 4 stars). 3 submissions from 3 submitters: Uncertain significance (2); Likely benign (1). Last evaluated 2025-11-13.

Conditions:
Ataxia-telangiectasia syndrome (AT). Also called: Ataxia telangiectasia (A-T); LOUIS-BAR SYNDROME; Cerebello-oculocutaneous telangiectasia; Immunodeficiency with ataxia telangiectasia; Ataxia-telangiectasia, complementation group D; AT, COMPLEMENTATION GROUP C. Identifiers: Orphanet 100, MedGen C0004135, MONDO:0008840, OMIM 208900.
Hereditary cancer-predisposing syndrome. Also called: Hereditary neoplastic syndrome; Neoplastic Syndromes, Hereditary; Tumor predisposition; Hereditary Cancer Syndrome. Identifiers: Orphanet 140162, MedGen C0027672, MeSH D009386, MONDO:0015356.

Submissions (3):

Ambry Genetics
Classification: Uncertain significance for Hereditary cancer-predisposing syndrome. Last evaluated: 2025-11-13. Review status: criteria provided, single submitter. Criteria: Ambry Variant Classification Scheme 2023. Collection method: clinical testing. Allele origin: germline.
Comment: The p.E2181D variant (also known as c.6543G>C), located in coding exon 44 of the ATM gene, results from a G to C substitution at nucleotide position 6543. The glutamic acid at codon 2181 is replaced by aspartic acid, an amino acid with highly similar properties. In an assay testing ATM function, this variant showed a functionally abnormal result (Lee KS et al. Cell, 2025 Sep;188:5081-5099.e27). This amino acid position is highly conserved in available vertebrate species. In addition, this alteration is predicted to be deleterious by in silico analysis. Based on the available evidence, the clinical significance of this variant remains unclear.

Labcorp Genetics (formerly Invitae), Labcorp
Classification: Likely benign for Ataxia-telangiectasia syndrome. Last evaluated: 2024-07-16. Review status: criteria provided, single submitter. Criteria: Invitae Variant Classification Sherloc (09022015). Collection method: clinical testing. Allele origin: germline.

Sema4
Classification: Uncertain significance for Hereditary cancer-predisposing syndrome. Last evaluated: 2021-12-27. Review status: criteria provided, single submitter. Criteria: Sema4 Curation Guidelines. Collection method: curation. Allele origin: germline.
Comment: To the best of our knowledge, the ATM c.6543G>C ( p.E2181D) variant has not been reported in individuals with ATM-related disease. It was not observed in the large and broad cohorts of the Genome Aggregation Database (PMID: 32461654). This variant has not been reported in ClinVar. Functional studies have not been performed, and in silico predictions of the variant's effect on protein function are inconclusive. The evidence is insufficient to meet ACMG/AMP criteria for classifying the variant as benign or pathogenic. Thus, the clinical significance of this variant is currently uncertain.

Literature cited by the submitters: PubMed 40580951 (cited by Ambry Genetics).

NM_000051.4(ATM):c.6543G>C (p.Glu2181Asp)

Genes: C11orf65 (chromosome 11 open reading frame 65; minus strand), ATM (ATM serine/threonine kinase; plus strand). Cytogenetic location: 11q22.3.
Variant type: single nucleotide variant.
Coding change: c.6543G>C on transcript NM_000051.4 (MANE Select); coding-DNA position 6543, G replaced by C.
Protein change: p.Glu2181Asp; replaces glutamic acid 2181 with aspartic acid.
Molecular consequence: missense variant. On other transcripts: intron variant (2).
Genome position (GRCh38, 1-based): chr11:108,321,391, G>C. VCF-style: chr11-108321391-G-C. GRCh37 (hg19) VCF-style: chr11-108192118-G-C.
Other names: c.6543G>C, p.Glu2181Asp (NM_001351834.2); c.641-12320C>G (NM_001330368.2); c.*39-12320C>G (NM_001351110.2); short protein forms E2181D.
Identifiers: ClinVar variation 1692881 (VCV001692881.3), dbSNP rs138828590, ClinGen allele CA382554300.
Genomic context (GRCh38, chr11:108,321,391, plus strand): 5'-CAGCCTTGAGTCTGTGTATTCGCTCTATCCCACACTTAGCAGGTTGCAGGCCATTGGAGA[G>C]CTGGAAAGCATTGGGGAGCTTTTCTCAAGGTATGTAATTCGTATGACTTTGTTATCCTAA-3'
Protein context (NP_000042.3, residues 2171-2191): PTLSRLQAIG[Glu2181Asp]LESIGELFSR